The following is an entry in ClinVar:

NM_001289125.3(IFNAR2):c.1097A>C (p.Glu366Ala)

Genes: IFNAR2 (interferon alpha and beta receptor subunit 2; plus strand), IFNAR2-IL10RB (IFNAR2-IL10RB readthrough; plus strand). Cytogenetic location: 21q22.11.
Variant type: single nucleotide variant.
Coding change: c.1097A>C on transcript NM_001289125.3 (MANE Select); coding-DNA position 1097, A replaced by C.
Protein change: p.Glu366Ala; replaces glutamic acid 366 with alanine.
Molecular consequence: missense variant. On other transcripts: 3 prime UTR variant (5).
Genome position (GRCh38, 1-based): chr21:33,263,049, A>C. VCF-style: chr21-33263049-A-C. GRCh37 (hg19) VCF-style: chr21-34635354-A-C.
Other names: c.*333A>C (NM_000874.5, NM_207584.3); c.*246A>C (NM_001289126.2, NM_001289128.2); c.*472A>C (NM_001385054.1); c.1097A>C, p.Glu366Ala (NM_001385055.1, NM_207585.3); short protein forms E366A.
Identifiers: ClinVar variation 1521847 (VCV001521847.8), dbSNP rs1988748796, ClinGen allele CA410105152.

ClinVar aggregate classification (germline): Uncertain significance (1 of 4 stars; one submission).

Allele frequency attached by ClinVar (database versions not stated): TOPMed below 0.00001.

Submission:

Labcorp Genetics (formerly Invitae), Labcorp
Classification: Uncertain significance. Last evaluated: 2022-08-09. Review status: criteria provided, single submitter. Criteria: Invitae Variant Classification Sherloc (09022015). Collection method: clinical testing. Allele origin: germline.
Comment: ClinVar contains an entry for this variant (Variation ID: 1521847). In summary, the available evidence is currently insufficient to determine the role of this variant in disease. Therefore, it has been classified as a Variant of Uncertain Significance. Algorithms developed to predict the effect of missense changes on protein structure and function (SIFT, PolyPhen-2, Align-GVGD) all suggest that this variant is likely to be tolerated. This variant has not been reported in the literature in individuals affected with IFNAR2-related conditions. This variant is not present in population databases (gnomAD no frequency). This sequence change replaces glutamic acid, which is acidic and polar, with alanine, which is neutral and non-polar, at codon 366 of the IFNAR2 protein (p.Glu366Ala).